The following is an entry in ClinVar:

ClinVar aggregate classification (germline): Likely benign. Review status: criteria provided, multiple submitters, no conflicts (2 of 4 stars). 5 submissions from 5 submitters: Likely benign (4). 1 of the submissions does not count toward it. Last evaluated 2026-01-18.

Conditions:
Hereditary cancer-predisposing syndrome. Also called: Tumor predisposition; Hereditary neoplastic syndrome; Neoplastic Syndromes, Hereditary; Hereditary Cancer Syndrome. Identifiers: Orphanet 140162, MedGen C0027672, MeSH D009386, MONDO:0015356.
Gorlin syndrome. Also called: Nevoid Basal Cell Carcinoma Syndrome; Basal cell nevus syndrome. Identifiers: Orphanet 377, MedGen C0004779, MONDO:0007187.

Allele frequency attached by ClinVar (database versions not stated): gnomAD 0.00002 and 0.00003; ExAC 0.00004; gnomAD exomes 0.00004; TOPMed 0.00004.
gnomAD v4.1: 46 of 1,614,010 alleles (0.0029%); highest among the groups gnomAD compares: South Asian, 0.0044%; no homozygotes.

Submissions (5):

Labcorp Genetics (formerly Invitae), Labcorp
Classification: Likely benign for Gorlin syndrome. Last evaluated: 2026-01-18. Review status: criteria provided, single submitter. Criteria: Invitae Variant Classification Sherloc (09022015). Collection method: clinical testing. Allele origin: germline.

Blueprint Genetics
Classification: Likely benign. Last evaluated: 2023-10-05. Review status: criteria provided, single submitter. Criteria: ACMG Guidelines, 2015. Collection method: clinical testing. Allele origin: germline.

Quest Diagnostics Nichols Institute San Juan Capistrano
Classification: Likely benign. Last evaluated: 2023-08-15. Review status: criteria provided, single submitter. Criteria: Quest Diagnostics criteria. Collection method: clinical testing. Allele origin: unknown.

Ambry Genetics
Classification: Likely benign for Hereditary cancer-predisposing syndrome. Last evaluated: 2019-02-13. Review status: criteria provided, single submitter. Criteria: Ambry Variant Classification Scheme 2023. Collection method: clinical testing. Allele origin: germline.

ITMI
No classification provided. Condition: AllHighlyPenetrant. Last evaluated: 2013-09-19. Review status: no classification provided. Collection method: reference population. Allele origin: germline. Not counted in ClinVar's aggregate classification.
Comment: Please see associated publication for description of ethnicities

Literature cited by the submitters: PubMed 24728327 (cited by Quest Diagnostics Nichols Institute San Juan Capistrano and ITMI).

NM_000264.5(PTCH1):c.4274C>T (p.Ser1425Leu)

Gene: PTCH1 (patched 1; minus strand). Cytogenetic location: 9q22.32.
Variant type: single nucleotide variant.
Coding change: c.4274C>T on transcript NM_000264.5 (MANE Select); coding-DNA position 4274, C replaced by T.
Protein change: p.Ser1425Leu; replaces serine 1425 with leucine.
Molecular consequence: missense variant. On other transcripts: non-coding transcript variant (1).
Genome position (GRCh38, 1-based): chr9:95,446,982, G>A on the plus strand (C>T on the coding strand, the complement: PTCH1 is on the minus strand). VCF-style: chr9-95446982-G-A. GRCh37 (hg19) VCF-style: chr9-98209264-G-A.
Other names: c.4076C>T, p.Ser1359Leu (NM_001083602.3); c.4271C>T, p.Ser1424Leu (NM_001083603.3); c.3821C>T, p.Ser1274Leu (NM_001083604.3, NM_001083605.3, NM_001083606.3 and 1 more transcripts); c.4118C>T, p.Ser1373Leu (NM_001354918.2); c.4274C>T (NM_000264.4); short protein forms S1359L, S1425L, S1373L, S1424L, S1274L.
Identifiers: ClinVar variation 135104 (VCV000135104.18), dbSNP rs587778630, ClinGen allele CA161729.